The following is an entry in ClinVar:

ClinVar aggregate classification (germline): Uncertain significance (1 of 4 stars; one submission).

Conditions:
Hereditary pancreatitis (PCTT). Also called: Hereditary chronic pancreatitis; PRSS1-Related Hereditary Pancreatitis. Identifiers: Orphanet 676, MedGen C0238339, MONDO:0008185, OMIM 167800.

Submission:

Ambry Genetics
Classification: Uncertain significance for Hereditary pancreatitis. Last evaluated: 2024-07-12. Review status: criteria provided, single submitter. Criteria: Ambry Variant Classification Scheme 2023. Collection method: clinical testing. Allele origin: germline.
Comment: The p.M313R variant (also known as c.938T>G), located in coding exon 8 of the CPA1 gene, results from a T to G substitution at nucleotide position 938. The methionine at codon 313 is replaced by arginine, an amino acid with similar properties. This amino acid position is poorly conserved in available vertebrate species. In addition, the in silico prediction for this alteration is inconclusive. Based on the available evidence, the clinical significance of this variant remains unclear.

NM_001868.4(CPA1):c.938T>G (p.Met313Arg)

Gene: CPA1 (carboxypeptidase A1; plus strand). Cytogenetic location: 7q32.2.
Variant type: single nucleotide variant.
Coding change: c.938T>G on transcript NM_001868.4 (MANE Select); coding-DNA position 938, T replaced by G.
Protein change: p.Met313Arg; replaces methionine 313 with arginine.
Molecular consequence: missense variant.
Genome position (GRCh38, 1-based): chr7:130,385,296, T>G. VCF-style: chr7-130385296-T-G. GRCh37 (hg19) VCF-style: chr7-130025137-T-G.
Other names: short protein forms M313R.
Identifiers: ClinVar variation 3496179 (VCV003496179.1).